The following is an entry in ClinVar:

ClinVar aggregate classification (germline): Uncertain significance. Review status: criteria provided, multiple submitters, no conflicts (2 of 4 stars). 3 submissions from 3 submitters: Uncertain significance (3). Last evaluated 2025-12-16.

Allele frequency attached by ClinVar (database versions not stated): gnomAD exomes 0.00003 and 0.00009; ExAC 0.00006; 1000 Genomes Project 30x 0.00016; 1000 Genomes Project 0.00020; gnomAD 0.00024; TOPMed 0.00045.
gnomAD v4.1: 164 of 1,613,990 alleles (0.01%); highest among the groups gnomAD compares: Admixed American, 0.048%; no homozygotes.

Submissions (3):

Labcorp Genetics (formerly Invitae), Labcorp
Classification: Uncertain significance. Last evaluated: 2025-12-16. Review status: criteria provided, single submitter. Criteria: Invitae Variant Classification Sherloc (09022015). Collection method: clinical testing. Allele origin: germline.
Comment: This sequence change replaces phenylalanine, which is neutral and non-polar, with cysteine, which is neutral and slightly polar, at codon 70 of the CA4 protein (p.Phe70Cys). This variant is present in population databases (rs202023904, gnomAD 0.006%). This variant has not been reported in the literature in individuals affected with CA4-related conditions. ClinVar contains an entry for this variant (Variation ID: 857503). Invitae Evidence Modeling of protein sequence and biophysical properties (such as structural, functional, and spatial information, amino acid conservation, physicochemical variation, residue mobility, and thermodynamic stability) indicates that this missense variant is expected to disrupt CA4 protein function with a positive predictive value of 80%. In summary, the available evidence is currently insufficient to determine the role of this variant in disease. Therefore, it has been classified as a Variant of Uncertain Significance.

Ambry Genetics
Classification: Uncertain significance. Last evaluated: 2024-10-09. Review status: criteria provided, single submitter. Criteria: Ambry Variant Classification Scheme 2023. Collection method: clinical testing. Allele origin: germline.

Blueprint Genetics
Classification: Uncertain significance. Last evaluated: 2021-10-27. Review status: criteria provided, single submitter. Criteria: ACMG Guidelines, 2015. Collection method: clinical testing. Allele origin: germline.

NM_000717.5(CA4):c.209T>G (p.Phe70Cys)

Gene: CA4 (carbonic anhydrase 4; plus strand). Cytogenetic location: 17q23.1.
Variant type: single nucleotide variant.
Coding change: c.209T>G on transcript NM_000717.5 (MANE Select); coding-DNA position 209, T replaced by G.
Protein change: p.Phe70Cys; replaces phenylalanine 70 with cysteine.
Molecular consequence: missense variant. On other transcripts: non-coding transcript variant (1).
Genome position (GRCh38, 1-based): chr17:60,156,656, T>G. VCF-style: chr17-60156656-T-G. GRCh37 (hg19) VCF-style: chr17-58234017-T-G.
Other names: c.209T>G (NM_000717.3); short protein forms F70C.
Identifiers: ClinVar variation 857503 (VCV000857503.11), dbSNP rs202023904, ClinGen allele CA8685265.